The following is an entry in ClinVar:

ClinVar aggregate classification (germline): Conflicting classifications of pathogenicity. Review status: criteria provided, conflicting classifications (1 of 4 stars). 2 submissions from 2 submitters: Uncertain significance (1); Benign (1). Last evaluated 2025-11-12.

Conditions:
Cardiovascular phenotype. Identifiers: MedGen CN230736.

Allele frequency attached by ClinVar (database versions not stated): ExAC 0.00003; gnomAD 0.00004 and 0.00007; TOPMed 0.00005; gnomAD exomes 0.00006; ESP Exome Variant Server 0.00008; 1000 Genomes Project 30x 0.00016; 1000 Genomes Project 0.00020.
gnomAD v4.1: 54 of 1,614,158 alleles (0.0033%); highest among the groups gnomAD compares: East Asian, 0.029%; no homozygotes.

Submissions (2):

Labcorp Genetics (formerly Invitae), Labcorp
Classification: Benign. Last evaluated: 2025-11-12. Review status: criteria provided, single submitter. Criteria: Invitae Variant Classification Sherloc (09022015). Collection method: clinical testing. Allele origin: germline.

Ambry Genetics
Classification: Uncertain significance for Cardiovascular phenotype. Last evaluated: 2024-08-01. Review status: criteria provided, single submitter. Criteria: Ambry Variant Classification Scheme 2023. Collection method: clinical testing. Allele origin: germline.
Comment: The p.E1253K variant (also known as c.3757G>A), located in coding exon 25 of the ABCA1 gene, results from a G to A substitution at nucleotide position 3757. The glutamic acid at codon 1253 is replaced by lysine, an amino acid with similar properties. This variant has been detected in individuals both with reduced HDL cholesterol and normal HDL cholesterol levels (Morrison AC et al. Nat Genet, 2013 Aug;45:899-901; Candini C et al. Atherosclerosis, 2010 Dec;213:492-8; Peloso GM et al. Eur J Hum Genet, 2016 Jun;24:924-30). Functional studies by one group suggest this variant may impact protein function; however, additional evidence is needed to confirm this finding (Candini C et al. Atherosclerosis, 2010 Dec;213:492-8). This amino acid position is well conserved in available vertebrate species. In addition, the in silico prediction for this alteration is inconclusive. Based on the available evidence, the clinical significance of this variant remains unclear.

Literature cited by the submitters: PubMed 20880529 (cited by Ambry Genetics); PubMed 23770607 (cited by Ambry Genetics); PubMed 26350511 (cited by Ambry Genetics).

NM_005502.4(ABCA1):c.3757G>A (p.Glu1253Lys)

Gene: ABCA1 (ATP binding cassette subfamily A member 1; minus strand). Cytogenetic location: 9q31.1.
Variant type: single nucleotide variant.
Coding change: c.3757G>A on transcript NM_005502.4 (MANE Select); coding-DNA position 3757, G replaced by A.
Protein change: p.Glu1253Lys; replaces glutamic acid 1253 with lysine.
Molecular consequence: missense variant.
Genome position (GRCh38, 1-based): chr9:104,814,457, C>T on the plus strand (G>A on the coding strand, the complement: ABCA1 is on the minus strand). VCF-style: chr9-104814457-C-T. GRCh37 (hg19) VCF-style: chr9-107576738-C-T.
Other names: c.3757G>A (NM_005502.3); short protein forms E1253K.
Identifiers: ClinVar variation 1406055 (VCV001406055.8), dbSNP rs138056193, ClinGen allele CA5168344.